The following is an entry in ClinVar:

ClinVar aggregate classification (germline): Uncertain significance. Review status: criteria provided, multiple submitters, no conflicts (2 of 4 stars). 2 submissions from 2 submitters: Uncertain significance (2). Last evaluated 2022-08-07.

Conditions:
Cardiovascular phenotype. Identifiers: MedGen CN230736.
Alagille syndrome due to a JAG1 point mutation. Also called: JAG1-Related Alagille Syndrome; Alagille Syndrome 1; HEPATIC DUCTULAR HYPOPLASIA, SYNDROMATIC. Identifiers: Orphanet 261619, Orphanet 52, MedGen C1956125, MONDO:0016862, OMIM 118450.

Submissions (2):

Ambry Genetics
Classification: Uncertain significance for Cardiovascular phenotype. Last evaluated: 2022-08-07. Review status: criteria provided, single submitter. Criteria: Ambry Variant Classification Scheme 2023. Collection method: clinical testing. Allele origin: germline.
Comment: The p.G175V variant (also known as c.524G>T), located in coding exon 4 of the JAG1 gene, results from a G to T substitution at nucleotide position 524. The glycine at codon 175 is replaced by valine, an amino acid with dissimilar properties. This amino acid position is conserved. In addition, the in silico prediction for this alteration is inconclusive. Since supporting evidence is limited at this time, the clinical significance of this alteration remains unclear.

Labcorp Genetics (formerly Invitae), Labcorp
Classification: Uncertain significance for Alagille syndrome due to a JAG1 point mutation. Last evaluated: 2021-03-09. Review status: criteria provided, single submitter. Criteria: Invitae Variant Classification Sherloc (09022015). Collection method: clinical testing. Allele origin: germline.
Comment: This sequence change replaces glycine with valine at codon 175 of the JAG1 protein (p.Gly175Val). The glycine residue is highly conserved and there is a moderate physicochemical difference between glycine and valine. This variant is not present in population databases (ExAC no frequency). This variant has not been reported in the literature in individuals with JAG1-related conditions. Algorithms developed to predict the effect of missense changes on protein structure and function are either unavailable or do not agree on the potential impact of this missense change (SIFT: "Deleterious"; PolyPhen-2: "Possibly Damaging"; Align-GVGD: "Class C15"). In summary, the available evidence is currently insufficient to determine the role of this variant in disease. Therefore, it has been classified as a Variant of Uncertain Significance.

NM_000214.3(JAG1):c.524G>T (p.Gly175Val)

Gene: JAG1 (jagged canonical Notch ligand 1; minus strand). Cytogenetic location: 20p12.2.
Variant type: single nucleotide variant.
Coding change: c.524G>T on transcript NM_000214.3 (MANE Select); coding-DNA position 524, G replaced by T.
Protein change: p.Gly175Val; replaces glycine 175 with valine.
Molecular consequence: missense variant.
Genome position (GRCh38, 1-based): chr20:10,658,638, C>A on the plus strand (G>T on the coding strand, the complement: JAG1 is on the minus strand). VCF-style: chr20-10658638-C-A. GRCh37 (hg19) VCF-style: chr20-10639286-C-A.
Other names: short protein forms G175V.
Identifiers: ClinVar variation 1056956 (VCV001056956.11), dbSNP rs2122623743, ClinGen allele CA408240396.